The following is an entry in ClinVar:

NM_000497.4(CYP11B1):c.240-18_240-17delinsAA

Gene: CYP11B1 (cytochrome P450 family 11 subfamily B member 1; minus strand). Cytogenetic location: 8q24.3.
Variant type: Indel.
Coding change: c.240-18_240-17delinsAA on transcript NM_000497.4 (MANE Select); 18 bases into the intron before coding-DNA position 240 through 17 bases into the intron before coding-DNA position 240, TC replaced by AA.
Molecular consequence: intron variant.
Genome position (GRCh38, 1-based): chr8:142,879,204-142,879,205, GA replaced by TT on the plus strand (TC replaced by AA on the coding strand, the reverse complement: CYP11B1 is on the minus strand). VCF-style: chr8-142879204-GA-TT. GRCh37 (hg19) VCF-style: chr8-143960620-GA-TT.
Other names: c.240-18_240-17delinsAA (NM_001026213.1).
Identifiers: ClinVar variation 804729 (VCV000804729.13), dbSNP rs1586561494, ClinGen allele CA915948714.

ClinVar aggregate classification (germline): Conflicting classifications of pathogenicity. Review status: criteria provided, conflicting classifications (1 of 4 stars). 3 submissions from 3 submitters: Uncertain significance (1); Likely benign (2). Last evaluated 2026-01-25.

Submissions (3):

Labcorp Genetics (formerly Invitae), Labcorp
Classification: Likely benign. Last evaluated: 2026-01-25. Review status: criteria provided, single submitter. Criteria: Invitae Variant Classification Sherloc (09022015). Collection method: clinical testing. Allele origin: germline.

Women's Health and Genetics/Laboratory Corporation of America, LabCorp
Classification: Likely benign. Last evaluated: 2024-12-19. Review status: criteria provided, single submitter. Criteria: LabCorp Variant Classification Summary - May 2015. Collection method: clinical testing. Allele origin: germline.
Comment: Variant summary: CYP11B1 c.240-18_240-17delinsAA alters a nucleotide located at a position not widely known to affect splicing. Consensus agreement among computation tools predict no significant impact on normal splicing. However, these predictions have yet to be confirmed by functional studies. The variant was absent in 282408 control chromosomes. The available data on variant occurrences in the general population are insufficient to allow any conclusion about variant significance. To our knowledge, no occurrence of c.240-18_240-17delinsAA in individuals affected with Congenital Adrenal Hyperplasia and no experimental evidence demonstrating its impact on protein function have been reported. ClinVar contains an entry for this variant (Variation ID: 804729). Based on the evidence outlined above, the variant was classified as likely benign.

Athena Diagnostics
Classification: Uncertain significance. Last evaluated: 2019-11-07. Review status: criteria provided, single submitter. Criteria: Athena Diagnostics Criteria. Collection method: clinical testing. Allele origin: unknown.